The following is an entry in ClinVar:

NM_006231.4(POLE):c.1093G>A (p.Asp365Asn)

Gene: POLE (DNA polymerase epsilon, catalytic subunit; minus strand). Cytogenetic location: 12q24.33.
Variant type: single nucleotide variant.
Coding change: c.1093G>A on transcript NM_006231.4 (MANE Select); coding-DNA position 1093, G replaced by A.
Protein change: p.Asp365Asn; replaces aspartic acid 365 with asparagine.
Molecular consequence: missense variant.
Genome position (GRCh38, 1-based): chr12:132,675,748, C>T on the plus strand (G>A on the coding strand, the complement: POLE is on the minus strand). VCF-style: chr12-132675748-C-T. GRCh37 (hg19) VCF-style: chr12-133252334-C-T.
Other names: short protein forms D365N.
Identifiers: ClinVar variation 1391148 (VCV001391148.6), dbSNP rs2136011066, ClinGen allele CA387361380.
Genomic context (GRCh38, chr12:132,675,748, plus strand): 5'-CCCTCTCAAATGCTGCCCAGTTACTCATAGAGAAGACACAGACTCACCAGTCAAAAAAGT[C>T]CCCGTTGTAGGTGACCATGATGGTGGGTTTGGTCTCCTGGACGTGTTCAAACCACCTTTG-3'
Protein context (NP_006222.2, residues 355-375): KPTIMVTYNG[Asp365Asn]FFDWPFVEAR

ClinVar aggregate classification (germline): Uncertain significance (1 of 4 stars; one submission).

Submission:

Labcorp Genetics (formerly Invitae), Labcorp
Classification: Uncertain significance. Last evaluated: 2021-08-19. Review status: criteria provided, single submitter. Criteria: Invitae Variant Classification Sherloc (09022015). Collection method: clinical testing. Allele origin: germline.
Comment: This sequence change replaces aspartic acid with asparagine at codon 365 of the POLE protein (p.Asp365Asn). The aspartic acid residue is highly conserved and there is a small physicochemical difference between aspartic acid and asparagine. This variant is not present in population databases (ExAC no frequency). This variant has not been reported in the literature in individuals affected with POLE-related conditions. Algorithms developed to predict the effect of missense changes on protein structure and function are either unavailable or do not agree on the potential impact of this missense change (SIFT: "Deleterious"; PolyPhen-2: "Probably Damaging"; Align-GVGD: "Class C0"). In summary, the available evidence is currently insufficient to determine the role of this variant in disease. Therefore, it has been classified as a Variant of Uncertain Significance.